The following is an entry in ClinVar:

NM_001367624.2(ZNF469):c.6122G>T (p.Gly2041Val)

Gene: ZNF469 (zinc finger protein 469; plus strand). Cytogenetic location: 16q24.2.
Variant type: single nucleotide variant.
Coding change: c.6122G>T on transcript NM_001367624.2 (MANE Select); coding-DNA position 6122, G replaced by T.
Protein change: p.Gly2041Val; replaces glycine 2041 with valine.
Molecular consequence: missense variant.
Genome position (GRCh38, 1-based): chr16:88,433,592, G>T. VCF-style: chr16-88433592-G-T. GRCh37 (hg19) VCF-style: chr16-88500000-G-T.
Other names: NM_001127464.1:c.6038G>T; short protein forms G2041V.
Identifiers: ClinVar variation 2421597 (VCV002421597.5), dbSNP rs575336882, ClinGen allele CA8225130.
Genomic context (GRCh38, chr16:88,433,592, plus strand): 5'-GTCCCAAAACAGCGCTGACCGGCCCCACCGAGGGTGCAGTCCTGCTAGAGAAATGCAAGG[G>T]AAGCAGGGCAGCCATGAGCCTTCAGGAGGAGGCCGAGCCCACCCCAAGCCCCCCGTCCCC-3'
Protein context (NP_001354553.1, residues 2031-2051): EGAVLLEKCK[Gly2041Val]SRAAMSLQEE

ClinVar aggregate classification (germline): Conflicting classifications of pathogenicity. Review status: criteria provided, conflicting classifications (1 of 4 stars). 2 submissions from 2 submitters: Uncertain significance (1); Likely benign (1). Last evaluated 2024-10-04.

Conditions:
Cardiovascular phenotype. Identifiers: MedGen CN230736.

Allele frequency attached by ClinVar (database versions not stated): ExAC 0.00005; 1000 Genomes Project 30x 0.00016; 1000 Genomes Project 0.00020; TOPMed 0.00028; gnomAD 0.00037.
gnomAD v4.1: 72 of 1,550,336 alleles (0.0046%); highest among the groups gnomAD compares: African/African-American, 0.096%; no homozygotes.

Submissions (2):

Ambry Genetics
Classification: Likely benign for Cardiovascular phenotype. Last evaluated: 2024-10-04. Review status: criteria provided, single submitter. Criteria: Ambry Variant Classification Scheme 2023. Collection method: clinical testing. Allele origin: germline.

Labcorp Genetics (formerly Invitae), Labcorp
Classification: Uncertain significance. Last evaluated: 2022-03-23. Review status: criteria provided, single submitter. Criteria: Invitae Variant Classification Sherloc (09022015). Collection method: clinical testing. Allele origin: germline.
Comment: This sequence change replaces glycine, which is neutral and non-polar, with valine, which is neutral and non-polar, at codon 2013 of the ZNF469 protein (p.Gly2013Val). This variant is present in population databases (rs575336882, gnomAD 0.1%). This variant has not been reported in the literature in individuals affected with ZNF469-related conditions. Algorithms developed to predict the effect of missense changes on protein structure and function are either unavailable or do not agree on the potential impact of this missense change (SIFT: "Deleterious"; PolyPhen-2: "Probably Damaging"; Align-GVGD: "Class C0"). In summary, the available evidence is currently insufficient to determine the role of this variant in disease. Therefore, it has been classified as a Variant of Uncertain Significance.